The following is an entry in ClinVar:

ClinVar aggregate classification (germline): Uncertain significance (1 of 4 stars; one submission).

Submission:

CeGaT Center for Human Genetics Tuebingen
Classification: Uncertain significance. Last evaluated: 2026-04-01. Review status: criteria provided, single submitter. Criteria: CeGaT Center For Human Genetics Tuebingen Variant Classification Criteria Version 2. Collection method: clinical testing. Allele origin: germline. Affected: yes. Observed: 1 variant allele.
Comment: MED13: PM2, BP4

NM_005121.3(MED13):c.470+6C>T

Gene: MED13 (mediator complex subunit 13; minus strand). Cytogenetic location: 17q23.2.
Variant type: single nucleotide variant.
Coding change: c.470+6C>T on transcript NM_005121.3 (MANE Select); 6 bases into the intron after coding-DNA position 470, C replaced by T.
Molecular consequence: intron variant.
Genome position (GRCh38, 1-based): chr17:62,052,531, G>A on the plus strand (C>T on the coding strand, the complement: MED13 is on the minus strand). VCF-style: chr17-62052531-G-A. GRCh37 (hg19) VCF-style: chr17-60129892-G-A.
Identifiers: ClinVar variation 4874489 (VCV004874489.2).